The following is an entry in ClinVar:

NM_007347.5(AP4E1):c.547A>T (p.Ile183Phe)

Gene: AP4E1 (adaptor related protein complex 4 subunit epsilon 1; plus strand). Cytogenetic location: 15q21.2.
Variant type: single nucleotide variant.
Coding change: c.547A>T on transcript NM_007347.5 (MANE Select); coding-DNA position 547, A replaced by T.
Protein change: p.Ile183Phe; replaces isoleucine 183 with phenylalanine.
Molecular consequence: missense variant.
Genome position (GRCh38, 1-based): chr15:50,929,013, A>T. VCF-style: chr15-50929013-A-T. GRCh37 (hg19) VCF-style: chr15-51221210-A-T.
Other names: c.322A>T, p.Ile108Phe (NM_001252127.2); short protein forms I108F, I183F.
Identifiers: ClinVar variation 2171900 (VCV002171900.28), dbSNP rs889956591, ClinGen allele CA392415636.

ClinVar aggregate classification (germline): Uncertain significance. Review status: criteria provided, multiple submitters, no conflicts (2 of 4 stars). 2 submissions from 2 submitters: Uncertain significance (2). Last evaluated 2025-08-15.

Conditions:
Spastic paraplegia. Identifiers: MedGen C0037772, HP:0001258.

Allele frequency attached by ClinVar (database versions not stated): gnomAD 0.00005.
gnomAD v4.1: 9 of 1,613,596 alleles (0.00056%); highest among the groups gnomAD compares: African/African-American, 0.012%; no homozygotes.

Submissions (2):

Labcorp Genetics (formerly Invitae), Labcorp
Classification: Uncertain significance for Spastic paraplegia. Last evaluated: 2025-08-15. Review status: criteria provided, single submitter. Criteria: Invitae Variant Classification Sherloc (09022015). Collection method: clinical testing. Allele origin: germline.
Comment: This sequence change replaces isoleucine, which is neutral and non-polar, with phenylalanine, which is neutral and non-polar, at codon 183 of the AP4E1 protein (p.Ile183Phe). This variant is present in population databases (no rsID available, gnomAD 0.02%). This variant has not been reported in the literature in individuals affected with AP4E1-related conditions. ClinVar contains an entry for this variant (Variation ID: 2171900). An algorithm developed to predict the effect of missense changes on protein structure and function (PolyPhen-2) suggests that this variant is likely to be disruptive. In summary, the available evidence is currently insufficient to determine the role of this variant in disease. Therefore, it has been classified as a Variant of Uncertain Significance.

CeGaT Center for Human Genetics Tuebingen
Classification: Uncertain significance. Last evaluated: 2023-05-01. Review status: criteria provided, single submitter. Criteria: CeGaT Center For Human Genetics Tuebingen Variant Classification Criteria Version 2. Collection method: clinical testing. Allele origin: germline. Affected: yes. Observed: 1 variant allele.